The following is an entry in ClinVar:

NM_001903.5(CTNNA1):c.1772T>A (p.Val591Glu)

Gene: CTNNA1 (catenin alpha 1; plus strand). Cytogenetic location: 5q31.2.
Variant type: single nucleotide variant.
Coding change: c.1772T>A on transcript NM_001903.5 (MANE Select); coding-DNA position 1772, T replaced by A.
Protein change: p.Val591Glu; replaces valine 591 with glutamic acid.
Molecular consequence: missense variant.
Genome position (GRCh38, 1-based): chr5:138,925,280, T>A. VCF-style: chr5-138925280-T-A. GRCh37 (hg19) VCF-style: chr5-138260969-T-A.
Other names: c.1772T>A, p.Val591Glu (NM_001290307.3, NM_001323982.2, NM_001323983.1 and 2 more transcripts); c.1463T>A, p.Val488Glu (NM_001290309.3); c.1403T>A, p.Val468Glu (NM_001290310.3); c.662T>A, p.Val221Glu (NM_001290312.1, NM_001323987.1, NM_001323988.1 and 17 more transcripts); c.1679T>A, p.Val560Glu (NM_001323986.2); c.323T>A, p.Val108Glu (NM_001324006.1, NM_001324007.1, NM_001324008.1 and 2 more transcripts); c.569T>A, p.Val190Glu (NM_001324011.1); c.419T>A, p.Val140Glu (NM_001324012.1, NM_001324013.1); short protein forms V488E, V190E, V468E, V560E, V591E, V108E, V221E, V140E.
Identifiers: ClinVar variation 1779824 (VCV001779824.3), dbSNP rs1274677659, ClinGen allele CA361132173.

ClinVar aggregate classification (germline): Uncertain significance (1 of 4 stars; one submission).

Conditions:
Hereditary cancer-predisposing syndrome. Also called: Neoplastic Syndromes, Hereditary; Tumor predisposition; Hereditary Cancer Syndrome; Hereditary neoplastic syndrome. Identifiers: Orphanet 140162, MedGen C0027672, MeSH D009386, MONDO:0015356.

Submission:

Ambry Genetics
Classification: Uncertain significance for Hereditary cancer-predisposing syndrome. Last evaluated: 2025-06-16. Review status: criteria provided, single submitter. Criteria: Ambry Variant Classification Scheme 2023. Collection method: clinical testing. Allele origin: germline.
Comment: The p.V591E variant (also known as c.1772T>A), located in coding exon 12 of the CTNNA1 gene, results from a T to A substitution at nucleotide position 1772. The valine at codon 591 is replaced by glutamic acid, an amino acid with dissimilar properties. This amino acid position is conserved. In addition, the in silico prediction for this alteration is inconclusive. Since supporting evidence is limited at this time, the clinical significance of this alteration remains unclear.